The following is an entry in ClinVar:

NM_001308093.3(GATA4):c.1109G>C (p.Gly370Ala)

Gene: GATA4 (GATA binding protein 4). Cytogenetic location: 8p23.1.
Variant type: single nucleotide variant.
Coding change: c.1109G>C on transcript NM_001308093.3 (MANE Select); coding-DNA position 1109, G replaced by C.
Protein change: p.Gly370Ala; replaces glycine 370 with alanine.
Molecular consequence: missense variant.
Genome position (GRCh38, 1-based): chr8:11,757,043, G>C. VCF-style: chr8-11757043-G-C. GRCh37 (hg19) VCF-style: chr8-11614552-G-C.
Other names: c.488G>C, p.Gly163Ala (NM_001308094.2, NM_001374273.1); c.362G>C, p.Gly121Ala (NM_001374274.1); c.1106G>C, p.Gly369Ala (NM_002052.5); short protein forms G163A, G370A, G369A, G121A.
Identifiers: ClinVar variation 3672869 (VCV003672869.3).

ClinVar aggregate classification (germline): Uncertain significance. Review status: criteria provided, multiple submitters, no conflicts (2 of 4 stars). 2 submissions from 2 submitters: Uncertain significance (2). Last evaluated 2024-08-12.

Conditions:
Atrioventricular septal defect 4 (AVSD4). Identifiers: MedGen C3280781, MONDO:0013747, OMIM 614430.

gnomAD v4.1: 1 of 1,614,196 alleles (0.000062%); highest among the groups gnomAD compares: Middle Eastern, 0.016%; no homozygotes.

Submissions (2):

Labcorp Genetics (formerly Invitae), Labcorp
Classification: Uncertain significance for Atrioventricular septal defect 4. Last evaluated: 2024-08-12. Review status: criteria provided, single submitter. Criteria: Invitae Variant Classification Sherloc (09022015). Collection method: clinical testing. Allele origin: germline.
Comment: This sequence change replaces glycine, which is neutral and non-polar, with alanine, which is neutral and non-polar, at codon 369 of the GATA4 protein (p.Gly369Ala). This variant is not present in population databases (gnomAD no frequency). This variant has not been reported in the literature in individuals affected with GATA4-related conditions. Advanced modeling of protein sequence and biophysical properties (such as structural, functional, and spatial information, amino acid conservation, physicochemical variation, residue mobility, and thermodynamic stability) performed at Invitae indicates that this missense variant is not expected to disrupt GATA4 protein function with a negative predictive value of 80%. In summary, the available evidence is currently insufficient to determine the role of this variant in disease. Therefore, it has been classified as a Variant of Uncertain Significance.

Revvity Omics, Revvity
Classification: Uncertain significance. Last evaluated: 2024-06-05. Review status: criteria provided, single submitter. Criteria: ACMG Guidelines, 2015. Collection method: clinical testing. Allele origin: germline.